The following is an entry in ClinVar:

ClinVar aggregate classification (germline): Uncertain significance. Review status: criteria provided, multiple submitters, no conflicts (2 of 4 stars). 2 submissions from 2 submitters: Uncertain significance (2). Last evaluated 2025-06-27.

Conditions:
Fanconi anemia (FA). Also called: Fanconi's anemia. Identifiers: Orphanet 84, MedGen C0015625, MeSH D005199, MONDO:0019391.

Allele frequency attached by ClinVar (database versions not stated): TOPMed 0.00002; gnomAD exomes below 0.00001; ESP Exome Variant Server 0.00008; gnomAD 0.00001; ExAC 0.00002.
gnomAD v4.1: 8 of 1,614,012 alleles (0.0005%); highest among the groups gnomAD compares: East Asian, 0.0022%; no homozygotes.

Submissions (2):

Dasa
Classification: Uncertain significance. Last evaluated: 2025-06-27. Review status: criteria provided, single submitter. Criteria: DASA Assertion Criteria. Collection method: clinical testing. Allele origin: germline.
Comment: NM_032444.4(SLX4):c.793G>A (p.Asp265Asn) is a missense variant that results in the substitution of aspartic acid with asparagine. This variant is rare in population databases. Computational prediction algorithms are consistent with a benign effect. The currently available literature and clinical evidence are not sufficient to establish a definitive association between this variant and the reported condition. Therefore, this variant is classified as a variant of uncertain significance.

Labcorp Genetics (formerly Invitae), Labcorp
Classification: Uncertain significance for Fanconi anemia. Last evaluated: 2023-07-17. Review status: criteria provided, single submitter. Criteria: Invitae Variant Classification Sherloc (09022015). Collection method: clinical testing. Allele origin: germline.
Comment: In summary, the available evidence is currently insufficient to determine the role of this variant in disease. Therefore, it has been classified as a Variant of Uncertain Significance. Algorithms developed to predict the effect of missense changes on protein structure and function output the following: SIFT: "Not Available"; PolyPhen-2: "Possibly Damaging"; Align-GVGD: "Not Available". The asparagine amino acid residue is found in multiple mammalian species, which suggests that this missense change does not adversely affect protein function. This variant has not been reported in the literature in individuals affected with SLX4-related conditions. This variant is present in population databases (rs368377000, gnomAD 0.006%). This sequence change replaces aspartic acid, which is acidic and polar, with asparagine, which is neutral and polar, at codon 265 of the SLX4 protein (p.Asp265Asn).

NM_032444.4(SLX4):c.793G>A (p.Asp265Asn)

Gene: SLX4 (SLX4 structure-specific endonuclease subunit; minus strand). Cytogenetic location: 16p13.3.
Variant type: single nucleotide variant.
Coding change: c.793G>A on transcript NM_032444.4 (MANE Select); coding-DNA position 793, G replaced by A.
Protein change: p.Asp265Asn; replaces aspartic acid 265 with asparagine.
Molecular consequence: missense variant.
Genome position (GRCh38, 1-based): chr16:3,602,275, C>T on the plus strand (G>A on the coding strand, the complement: SLX4 is on the minus strand). VCF-style: chr16-3602275-C-T. GRCh37 (hg19) VCF-style: chr16-3652276-C-T.
Other names: short protein forms D265N.
Identifiers: ClinVar variation 2802384 (VCV002802384.5), dbSNP rs368377000, ClinGen allele CA7866742.